The following is an entry in ClinVar:

ClinVar aggregate classification (germline): Uncertain significance (1 of 4 stars; one submission).

Conditions:
Charcot-Marie-Tooth disease axonal type 2F (CMT2F). Also called: CHARCOT-MARIE-TOOTH DISEASE, NEURONAL, TYPE 2F; Charcot-Marie-Tooth Neuropathy Type 2F. Identifiers: Orphanet 99940, MedGen C1847823, MONDO:0011687, OMIM 606595.

Allele frequency attached by ClinVar (database versions not stated): gnomAD exomes below 0.00001.
gnomAD v4.1: 2 of 1,547,384 alleles (0.00013%); highest among the groups gnomAD compares: Non-Finnish European, 0.00017%; no homozygotes.

Submission:

Labcorp Genetics (formerly Invitae), Labcorp
Classification: Uncertain significance for Charcot-Marie-Tooth disease axonal type 2F. Last evaluated: 2022-04-25. Review status: criteria provided, single submitter. Criteria: Invitae Variant Classification Sherloc (09022015). Collection method: clinical testing. Allele origin: germline.
Comment: In summary, the available evidence is currently insufficient to determine the role of this variant in disease. Therefore, it has been classified as a Variant of Uncertain Significance. This sequence change replaces proline, which is neutral and non-polar, with serine, which is neutral and polar, at codon 66 of the HSPB1 protein (p.Pro66Ser). This variant is not present in population databases (gnomAD no frequency). This variant has not been reported in the literature in individuals affected with HSPB1-related conditions. Algorithms developed to predict the effect of missense changes on protein structure and function (SIFT, PolyPhen-2, Align-GVGD) all suggest that this variant is likely to be tolerated.

NM_001540.5(HSPB1):c.196C>T (p.Pro66Ser)

Gene: HSPB1 (heat shock protein family B (small) member 1; plus strand). Cytogenetic location: 7q11.23.
Variant type: single nucleotide variant.
Coding change: c.196C>T on transcript NM_001540.5 (MANE Select); coding-DNA position 196, C replaced by T.
Protein change: p.Pro66Ser; replaces proline 66 with serine.
Molecular consequence: missense variant.
Genome position (GRCh38, 1-based): chr7:76,302,908, C>T. VCF-style: chr7-76302908-C-T. GRCh37 (hg19) VCF-style: chr7-75932225-C-T.
Other names: short protein forms P66S.
Identifiers: ClinVar variation 1969730 (VCV001969730.5), dbSNP rs2536149385, ClinGen allele CA367763093.
Genomic context (GRCh38, chr7:76,302,908, plus strand): 5'-TTAGGCGGCAGCAGCTGGCCAGGCTACGTGCGCCCCCTGCCCCCCGCCGCCATCGAGAGC[C>T]CCGCAGTGGCCGCGCCCGCCTACAGCCGCGCGCTCAGCCGGCAACTCAGCAGCGGGGTCT-3'
Protein context (NP_001531.1, residues 56-76): RPLPPAAIES[Pro66Ser]AVAAPAYSRA